The following is an entry in ClinVar:

NM_005632.3(CAPN15):c.1593C>T (p.Ala531=)

Gene: CAPN15 (calpain 15; plus strand). Cytogenetic location: 16p13.3.
Variant type: single nucleotide variant.
Coding change: c.1593C>T on transcript NM_005632.3 (MANE Select); coding-DNA position 1593, C replaced by T.
Protein change: p.Ala531=; no amino-acid change (alanine 531 retained).
Molecular consequence: synonymous variant.
Genome position (GRCh38, 1-based): chr16:549,136, C>T. VCF-style: chr16-549136-C-T. GRCh37 (hg19) VCF-style: chr16-599136-C-T.
Identifiers: ClinVar variation 2645804 (VCV002645804.25), dbSNP rs545798516, ClinGen allele CA7778382.
Genomic context (GRCh38, chr16:549,136, plus strand): 5'-TGTGAGGCAGTGGCTGCGACCCCAGGAGATCAACTGCTCCGTCTTCAGGGACCACAGGGC[C>T]ACGTGGTCTGTGTTCCACACACTGCGGCCCTCAGACATCCTGCAGGGGCTGCTGGGGAAC-3'
Protein context (NP_005623.1, residues 521-541): INCSVFRDHR[Ala531=]TWSVFHTLRP

ClinVar aggregate classification (germline): Likely benign. Review status: criteria provided, multiple submitters, no conflicts (2 of 4 stars). 2 submissions from 2 submitters: Likely benign (2). Last evaluated 2024-04-26.

Allele frequency attached by ClinVar (database versions not stated): gnomAD exomes below 0.00001; gnomAD 0.00001; TOPMed 0.00001; ExAC 0.00002; 1000 Genomes Project 30x 0.00016; 1000 Genomes Project 0.00020.
gnomAD v4.1: 10 of 1,610,682 alleles (0.00062%); highest among the groups gnomAD compares: South Asian, 0.0077%; no homozygotes.

Submissions (2):

Blueprint Genetics
Classification: Likely benign. Last evaluated: 2024-04-26. Review status: criteria provided, single submitter. Criteria: ACMG Guidelines, 2015. Collection method: clinical testing. Allele origin: germline.

CeGaT Center for Human Genetics Tuebingen
Classification: Likely benign. Last evaluated: 2022-06-01. Review status: criteria provided, single submitter. Criteria: CeGaT Center For Human Genetics Tuebingen Variant Classification Criteria Version 2. Collection method: clinical testing. Allele origin: germline. Affected: yes. Observed: 1 variant allele.
Comment: CAPN15: BP4, BP7